The following is an entry in ClinVar:

NM_005422.4(TECTA):c.5340C>T (p.Gly1780=)

Genes: TBCEL-TECTA (TBCEL-TECTA readthrough; plus strand), TECTA (tectorin alpha; plus strand). Cytogenetic location: 11q23.3.
Variant type: single nucleotide variant.
Coding change: c.5340C>T on transcript NM_005422.4 (MANE Select); coding-DNA position 5340, C replaced by T.
Protein change: p.Gly1780=; no amino-acid change (glycine 1780 retained).
Molecular consequence: synonymous variant.
Genome position (GRCh38, 1-based): chr11:121,165,340, C>T. VCF-style: chr11-121165340-C-T. GRCh37 (hg19) VCF-style: chr11-121036049-C-T.
Other names: c.6282C>T, p.Gly2094= (NM_001378761.1).
Identifiers: ClinVar variation 546224 (VCV000546224.5), dbSNP rs1555128719, ClinGen allele CA477217166.

ClinVar aggregate classification (germline): Uncertain significance. Review status: criteria provided, multiple submitters, no conflicts (2 of 4 stars). 2 submissions from 2 submitters: Uncertain significance (2). Last evaluated 2021-10-08.

Submissions (2):

GeneDx
Classification: Uncertain significance. Last evaluated: 2021-10-08. Review status: criteria provided, single submitter. Criteria: GeneDx Variant Classification Process June 2021. Collection method: clinical testing. Allele origin: germline. Affected: yes.
Comment: Not observed at significant frequency in large population cohorts (Lek et al., 2016); In silico analysis, which includes splice predictors and evolutionary conservation, suggests this variant may impact gene splicing. In the absence of RNA/functional studies, the actual effect of this sequence change is unknown.; Has not been previously published as pathogenic or benign to our knowledge

Blueprint Genetics
Classification: Uncertain significance. Last evaluated: 2018-01-17. Review status: criteria provided, single submitter. Criteria: ACMG Guidelines, 2015. Collection method: clinical testing. Allele origin: germline.